The following is an entry in ClinVar:

NM_000124.4(ERCC6):c.1607T>G (p.Leu536Trp)

Gene: ERCC6 (ERCC excision repair 6, chromatin remodeling factor; minus strand). Cytogenetic location: 10q11.23.
Variant type: single nucleotide variant.
Coding change: c.1607T>G on transcript NM_000124.4 (MANE Select); coding-DNA position 1607, T replaced by G.
Protein change: p.Leu536Trp; replaces leucine 536 with tryptophan.
Molecular consequence: missense variant.
Genome position (GRCh38, 1-based): chr10:49,500,616, A>C on the plus strand (T>G on the coding strand, the complement: ERCC6 is on the minus strand). VCF-style: chr10-49500616-A-C. GRCh37 (hg19) VCF-style: chr10-50708662-A-C.
Other names: c.1607T>G, p.Leu536Trp (NM_001346440.2); short protein forms L536W.
Identifiers: ClinVar variation 858140 (VCV000858140.8), dbSNP rs774175886, ClinGen allele CA5495920.

ClinVar aggregate classification (germline): Pathogenic/Likely pathogenic. Review status: criteria provided, multiple submitters, no conflicts (2 of 4 stars). 2 submissions from 2 submitters: Pathogenic (1); Likely pathogenic (1). Last evaluated 2025-02-18.

Conditions:
Cockayne syndrome type 2 (CSB). Also called: COCKAYNE SYNDROME B; Cockayne Syndrome, Type II. Identifiers: Orphanet 191, Orphanet 90322, MedGen C0751038, MONDO:0019570, OMIM 133540.

Allele frequency attached by ClinVar (database versions not stated): gnomAD exomes below 0.00001 and 0.00004; gnomAD 0.00003; TOPMed 0.00003; ExAC 0.00007.
gnomAD v4.1: 10 of 1,613,896 alleles (0.00062%); highest among the groups gnomAD compares: East Asian, 0.02%; no homozygotes.

Submissions (2):

3billion
Classification: Likely pathogenic for Cockayne syndrome type 2. Last evaluated: 2025-02-18. Review status: criteria provided, single submitter. Criteria: ACMG Guidelines, 2015. Collection method: clinical testing. Allele origin: germline. Affected: yes.
Comment: The variant is observed at an extremely low frequency in the gnomAD v4.1.0 dataset (total allele frequency: <0.001%). Predicted Consequence/Location: Missense variant. The majority of the known disease-causing variants of this gene are variants expected to result in premature termination of the protein. In silico tool predictions suggest damaging effect of the variant on gene or gene product [REVEL: 0.95 (>=0.6, sensitivity 0.68 and specificity 0.92); 3Cnet: 0.99 (>=0.6, sensitivity 0.72 and precision 0.9)]. The same nucleotide change resulting in the same amino acid change has been previously reported to be associated with ERCC6-related disorder (ClinVar ID: VCV000858140). The variant has been reported to be in trans with a pathogenic variant as either compound heterozygous or homozygous in at least 2 similarly affected unrelated individuals (PMID: 25463447, 26791926). The variant has been reported to co-segregate with the disease in at least one similarly affected relative/individual in the same family or similarly affected unrelated families (PMID: 25463447, 26791926). Therefore, this variant is classified as Likely pathogenic according to the recommendation of ACMG/AMP guideline.

Labcorp Genetics (formerly Invitae), Labcorp
Classification: Pathogenic. Last evaluated: 2024-03-01. Review status: criteria provided, single submitter. Criteria: Invitae Variant Classification Sherloc (09022015). Collection method: clinical testing. Allele origin: germline.
Comment: This sequence change replaces leucine, which is neutral and non-polar, with tryptophan, which is neutral and slightly polar, at codon 536 of the ERCC6 protein (p.Leu536Trp). This variant is present in population databases (rs774175886, gnomAD 0.07%). This missense change has been observed in individual(s) with Cockayne syndrome (PMID: 25463447, 26791926). In at least one individual the data is consistent with being in trans (on the opposite chromosome) from a pathogenic variant. It has also been observed to segregate with disease in related individuals. ClinVar contains an entry for this variant (Variation ID: 858140). Advanced modeling of protein sequence and biophysical properties (such as structural, functional, and spatial information, amino acid conservation, physicochemical variation, residue mobility, and thermodynamic stability) performed at Invitae indicates that this missense variant is expected to disrupt ERCC6 protein function with a positive predictive value of 80%. For these reasons, this variant has been classified as Pathogenic.

Literature cited by the submitters: PubMed 25463447 (cited by 3billion and Labcorp Genetics (formerly Invitae), Labcorp); PubMed 26791926 (cited by 3billion and Labcorp Genetics (formerly Invitae), Labcorp).